The following is an entry in ClinVar:

NM_002764.4(PRPS1):c.778C>T (p.Arg260Cys)

Gene: PRPS1 (phosphoribosyl pyrophosphate synthetase 1; plus strand). Cytogenetic location: Xq22.3.
Variant type: single nucleotide variant.
Coding change: c.778C>T on transcript NM_002764.4 (MANE Select); coding-DNA position 778, C replaced by T.
Protein change: p.Arg260Cys; replaces arginine 260 with cysteine.
Molecular consequence: missense variant.
Genome position (GRCh38, 1-based): chrX:107,647,679, C>T. VCF-style: chrX-107647679-C-T. GRCh37 (hg19) VCF-style: chrX-106890909-C-T.
Other names: c.166C>T, p.Arg56Cys (NM_001204402.2); short protein forms R260C, R56C.
Identifiers: ClinVar variation 2962288 (VCV002962288.4), dbSNP rs2521349642, ClinGen allele CA413814639.

ClinVar aggregate classification (germline): Uncertain significance. Review status: criteria provided, multiple submitters, no conflicts (2 of 4 stars). 2 submissions from 2 submitters: Uncertain significance (2). Last evaluated 2024-12-07.

Conditions:
Charcot-Marie-Tooth Neuropathy X. Identifiers: MedGen CN118851.

Allele frequency attached by ClinVar (database versions not stated): gnomAD exomes below 0.00001.

Submissions (2):

GeneDx
Classification: Uncertain significance. Last evaluated: 2024-12-07. Review status: criteria provided, single submitter. Criteria: GeneDx Variant Classification Process June 2021. Collection method: clinical testing. Allele origin: germline. Affected: yes.
Comment: Not observed at significant frequency in large population cohorts (gnomAD); In silico analysis supports that this missense variant has a deleterious effect on protein structure/function; Has not been previously published as pathogenic or benign to our knowledge

Labcorp Genetics (formerly Invitae), Labcorp
Classification: Uncertain significance for Charcot-Marie-Tooth Neuropathy X. Last evaluated: 2024-04-30. Review status: criteria provided, single submitter. Criteria: Invitae Variant Classification Sherloc (09022015). Collection method: clinical testing. Allele origin: germline.
Comment: This sequence change replaces arginine, which is basic and polar, with cysteine, which is neutral and slightly polar, at codon 260 of the PRPS1 protein (p.Arg260Cys). This variant is not present in population databases (gnomAD no frequency). This variant has not been reported in the literature in individuals affected with PRPS1-related conditions. Advanced modeling of protein sequence and biophysical properties (such as structural, functional, and spatial information, amino acid conservation, physicochemical variation, residue mobility, and thermodynamic stability) performed at Invitae indicates that this missense variant is not expected to disrupt PRPS1 protein function with a negative predictive value of 80%. In summary, the available evidence is currently insufficient to determine the role of this variant in disease. Therefore, it has been classified as a Variant of Uncertain Significance.